The following is an entry in ClinVar:

NM_000059.4(BRCA2):c.8878C>T (p.Gln2960Ter)

Gene: BRCA2 (BRCA2 DNA repair associated; plus strand). Cytogenetic location: 13q13.1.
Variant type: single nucleotide variant.
Coding change: c.8878C>T on transcript NM_000059.4 (MANE Select); coding-DNA position 8878, C replaced by T.
Protein change: p.Gln2960Ter; replaces glutamine 2960 with a stop codon.
Molecular consequence: nonsense.
Genome position (GRCh38, 1-based): chr13:32,379,440, C>T. VCF-style: chr13-32379440-C-T. GRCh37 (hg19) VCF-style: chr13-32953577-C-T.
Other names: 9106C>T; short protein forms Q2960*.
Identifiers: ClinVar variation 52694 (VCV000052694.55), dbSNP rs80359140, ClinGen allele CA025859.
Genomic context (GRCh38, chr13:32,379,440, plus strand): 5'-AAACAAGCTCAGATCCAGTTGGAAATTAGGAAGGCCATGGAATCTGCTGAACAAAAGGAA[C>T]AAGGTTTATCAAGGGATGTCACAACCGTGTGGAAGTTGCGTATTGTAAGCTATTCAAAAA-3'

ClinVar aggregate classification (germline): Pathogenic. Review status: reviewed by expert panel (3 of 4 stars). 26 submissions from 25 submitters: Pathogenic (1). 25 of the submissions do not count toward it. Last evaluated 2016-04-22.

Conditions:
BRCA2-related disorder. Also called: BRCA2-related condition; BRCA2-related disorders. Identifiers: MedGen CN239275.
NICE approved PARP inhibitor treatment.
Inherited breast cancer and ovarian cancer.
Hereditary cancer-predisposing syndrome. Also called: Tumor predisposition; Neoplastic Syndromes, Hereditary; Hereditary Cancer Syndrome; Hereditary neoplastic syndrome. Identifiers: Orphanet 140162, MedGen C0027672, MeSH D009386, MONDO:0015356.
Hereditary breast ovarian cancer syndrome. Also called: Hereditary breast and ovarian cancer syndrome (HBOC); Hereditary breast and ovarian cancer syndrome; Hereditary breast and ovarian cancer; Hereditary breast and/or ovarian cancer syndrome; Breast and ovarian cancer; BRCA1- and BRCA2-Associated Hereditary Breast and Ovarian Cancer. Identifiers: Orphanet 145, MedGen C0677776, MeSH D061325, MONDO:0003582. Disease mechanism: loss of function.
Breast-ovarian cancer, familial, susceptibility to, 2 (BROVCA2). Also called: BRCA2 Hereditary Breast and Ovarian Cancer. Identifiers: Orphanet 145, MedGen C2675520, MONDO:0012933, OMIM 612555. Disease mechanism: loss of function.
Breast-ovarian cancer, familial, susceptibility to, 1 (BROVCA1). Also called: OVARIAN CANCER, SUSCEPTIBILITY TO; BRCA1 Hereditary Breast and Ovarian Cancer. Identifiers: Orphanet 145, MedGen C2676676, MONDO:0011450, OMIM 604370. Disease mechanism: loss of function.
Familial cancer of breast. Also called: Hereditary breast cancer; hereditary breast carcinoma; BREAST CANCER, FAMILIAL. Identifiers: Orphanet 227535, MedGen C0346153, MONDO:0016419, OMIM 114480. Disease mechanism: loss of function.

Allele frequency attached by ClinVar (database versions not stated): gnomAD exomes 0.00001.
gnomAD v4.1: 5 of 1,613,440 alleles (0.00031%); highest among the groups gnomAD compares: Non-Finnish European, 0.00042%; no homozygotes.

Submissions 1 to 12 of 26:

Evidence-based Network for the Interpretation of Germline Mutant Alleles (ENIGMA)
Classification: Pathogenic for Breast-ovarian cancer, familial, susceptibility to, 2. Last evaluated: 2016-04-22. Review status: reviewed by expert panel. Criteria: ENIGMA BRCA1/2 Classification Criteria (2015). Collection method: curation. Allele origin: germline.
Comment: Variant allele predicted to encode a truncated non-functional protein.

Genetics Laboratory, Great Ormond Street Hospital NHS Foundation Trust, North Thames Genomic Laboratory Hub
Classification: Pathogenic for Inherited breast cancer and ovarian cancer. Last evaluated: 2026-02-09. Review status: criteria provided, single submitter. Criteria: CanVIG BRCA Gene Specific V1.22. Collection method: clinical testing. Allele origin: germline. Affected: yes. Not counted in ClinVar's aggregate classification.
Comment: PS4_moderate, PM2_supporting, PVS1_very-strong, PM5_strong, PP4_moderate

Labcorp Genetics (formerly Invitae), Labcorp
Classification: Pathogenic for Hereditary breast ovarian cancer syndrome. Last evaluated: 2026-01-10. Review status: criteria provided, single submitter. Criteria: Invitae Variant Classification Sherloc (09022015). Collection method: clinical testing. Allele origin: germline. Not counted in ClinVar's aggregate classification.
Comment: This sequence change creates a premature translational stop signal (p.Gln2960*) in the BRCA2 gene. It is expected to result in an absent or disrupted protein product. Loss-of-function variants in BRCA2 are known to be pathogenic (PMID: 20104584). This variant is not present in population databases (gnomAD no frequency). This premature translational stop signal has been observed in individual(s) with breast and/or ovarian cancer (PMID: 10449599, 14531499, 16764716, 18821011, 24312913, 25863477, 26852130). This variant is also known as 9106C>T. ClinVar contains an entry for this variant (Variation ID: 52694). For these reasons, this variant has been classified as Pathogenic.

Dasa
Classification: Pathogenic for Breast-ovarian cancer, familial, susceptibility to, 2. Last evaluated: 2026-01-05. Review status: criteria provided, single submitter. Criteria: DASA Assertion Criteria. Collection method: clinical testing. Allele origin: germline. Not counted in ClinVar's aggregate classification.
Comment: NM_000059.4(BRCA2):c.8878C>T (p.Gln2960*) introduces a premature termination codon predicted to result in loss of normal protein function. Loss-of-function is an established mechanism of disease for this gene. The variant is present at low frequency in population datasets. Based on the available data, this variant is classified as pathogenic.

NHS Central & South Genomic Laboratory Hub
Classification: Pathogenic for Inherited breast cancer and ovarian cancer. Last evaluated: 2025-09-25. Review status: criteria provided, single submitter. Criteria: ACMG Guidelines, 2015. Collection method: clinical testing. Allele origin: germline. Affected: yes. Not counted in ClinVar's aggregate classification.

NHS Central & South Genomic Laboratory Hub
Classification: Pathogenic for NICE approved PARP inhibitor treatment. Last evaluated: 2025-09-25. Review status: criteria provided, single submitter. Criteria: ACMG Guidelines, 2015. Collection method: clinical testing. Allele origin: germline. Affected: yes. Not counted in ClinVar's aggregate classification.

Color Diagnostics, LLC DBA Color Health
Classification: Pathogenic for Hereditary cancer-predisposing syndrome. Last evaluated: 2024-08-06. Review status: criteria provided, single submitter. Criteria: ACMG Guidelines, 2015. Collection method: clinical testing. Allele origin: germline. Not counted in ClinVar's aggregate classification.
Comment: This variant changes 1 nucleotide in exon 22 of the BRCA2 gene, creating a premature translation stop signal. This variant is also known as 9106C>T in the literature. This variant is expected to result in an absent or non-functional protein product. This variant has been reported in more than 10 individuals affected with breast or ovarian cancer (PMID: 16982466, 17224268, 23165508, 28091860, 30606148, 32438681, 33471991, 35281878) and has been identified in 38 families among the CIMBA participants (PMID: 29446198). This variant has not been identified in the general population by the Genome Aggregation Database (gnomAD). Loss of BRCA2 function is a known mechanism of disease. Based on the available evidence, this variant is classified as Pathogenic.

Baylor Genetics
Classification: Pathogenic for Familial cancer of breast. Last evaluated: 2023-10-20. Review status: criteria provided, single submitter. Criteria: ACMG Guidelines, 2015. Collection method: clinical testing. Allele origin: unknown. Not counted in ClinVar's aggregate classification.

Genetic Services Laboratory, University of Chicago
Classification: Pathogenic. Last evaluated: 2023-10-05. Review status: criteria provided, single submitter. Criteria: ACMG Guidelines, 2015. Collection method: clinical testing. Allele origin: germline. Affected: yes. Not counted in ClinVar's aggregate classification.
Comment: DNA sequence analysis of the BRCA2 gene demonstrated a sequence change, c.8878C>T, which results in the creation of a premature stop codon at amino acid position 2960, p.Gln2960*. This pathogenic sequence change is predicted to result in an abnormal transcript, which may be degraded, or may lead to the production of a truncated BRCA2 protein with potentially abnormal function. This sequence change has not been described in the population databases such as ExAC and gnomAD. This pathogenic sequence change has previously been observed in multiple individuals with breast and/or ovarian cancer [PMID: 10449599, 14531499, 16764716, 18821011, 24312913, 25863477, 26852130] and has been described as a recurrent pathogenic sequence change found in families from northeast Italy [PMID: 16764716, 18821011]. These collective evidences indicate that this sequence change is pathogenic and is the most likely cause of this individual's phenotype.

Blueprint Genetics
Classification: Pathogenic for BRCA2-related disorders. Last evaluated: 2023-02-08. Review status: criteria provided, single submitter. Criteria: ACMG Guidelines, 2015. Collection method: clinical testing. Allele origin: germline. Affected: yes. Observed: 3 variant alleles. Not counted in ClinVar's aggregate classification.

Ambry Genetics
Classification: Pathogenic for Hereditary cancer-predisposing syndrome. Last evaluated: 2022-08-02. Review status: criteria provided, single submitter. Criteria: Ambry Variant Classification Scheme 2023. Collection method: clinical testing. Allele origin: germline. Not counted in ClinVar's aggregate classification.
Comment: The p.Q2960* pathogenic mutation (also known as c.8878C>T), located in coding exon 21 of the BRCA2 gene, results from a C to T substitution at nucleotide position 8878. This changes the amino acid from a glutamine to a stop codon within coding exon 21. This mutation has been identified in multiple families with hereditary breast and ovarian cancer syndrome (Santarosa M et al. Int. J. Cancer. 1999 Sep;83:5-9; Miolo G et al. BMC Cancer. 2006 Jun;6:156; Manoukian S et al. Eur. J. Cancer 2007 Feb;43:601-6; Papi L et al. Breast Cancer Res. Treat. 2009 Oct;117:497-504; Alemar B et al. Cancer Genet. 2016 Sep;209:417-422). In addition to the clinical data presented in the literature, this alteration is expected to result in loss of function by premature protein truncation or nonsense-mediated mRNA decay. As such, this alteration is interpreted as a disease-causing mutation.

GeneDx
Classification: Pathogenic. Last evaluated: 2020-10-13. Review status: criteria provided, single submitter. Criteria: GeneDx Variant Classification Process June 2021. Collection method: clinical testing. Allele origin: germline. Affected: yes. Not counted in ClinVar's aggregate classification.
Comment: Nonsense variant predicted to result in protein truncation or nonsense mediated decay in a gene for which loss-of-function is a known mechanism of disease; Observed in individuals with a personal or family history consistent with pathogenic variants in this gene (Santarosa 1999, Fruscalzo 2006, Miolo 2006, Manoukian 2007, Barber 2013, Safra 2013); Not observed in large population cohorts (gnomAD); Truncating variants in this gene are considered pathogenic by a well-established clinical consortium and/or database; Also known as 9106C>T; This variant is associated with the following publications: (PMID: 29907814, 18821011, 23165508, 26733283, 24131973, 27528623, 26852130, 29161300, 30606148, 25525159, 16764716, 26360800, 25341009, 10449599, 25863477, 24312913, 14531499, 17224268, 16982466, 28263838, 28091860, 29339979, 29446198, 28176296, 30702160, 31825140, 30787465, 30613976)